The following is an entry in ClinVar:

NM_001369.3(DNAH5):c.9272dup (p.Glu3093fs)

Gene: DNAH5 (dynein axonemal heavy chain 5; minus strand). Cytogenetic location: 5p15.2.
Variant type: Duplication.
Coding change: c.9272dup on transcript NM_001369.3 (MANE Select); coding-DNA position 9272, one base duplicated (T; older notation c.9272dupT).
Protein change: p.Glu3093fs; shifts the reading frame from glutamic acid 3093.
Molecular consequence: frameshift variant.
Genome position (GRCh38, 1-based): chr5:13,776,540, A duplicated on the plus strand (T on the coding strand, the reverse complement: DNAH5 is on the minus strand). VCF-style (leftmost placement, unchanged base first): chr5-13776539-C-CA. GRCh37 (hg19) VCF-style: chr5-13776648-C-CA.
Other names: short protein forms E3093fs.
Identifiers: ClinVar variation 3591767 (VCV003591767.3).
Genomic context (GRCh38, chr5:13,776,539, plus strand): 5'-AATTGTGCATCCTGAAATTAGGGCAGGGAACTTCAAAGCTCTGTTTCGAAATTTCTCCCC[C>CA]ACTGGCGAGAAGCAGAGCACAATATGAAGGTTCTGTCGGACCCGACTCATGAAGTAGTCG-3'

ClinVar aggregate classification (germline): Pathogenic/Likely pathogenic. Review status: criteria provided, multiple submitters, no conflicts (2 of 4 stars). 2 submissions from 2 submitters: Pathogenic (1); Likely pathogenic (1). Last evaluated 2024-08-28.

Conditions:
Primary ciliary dyskinesia. Also called: Ciliary dyskinesia. Identifiers: Orphanet 244, MedGen C0008780, MONDO:0016575, HP:0012265.
Primary ciliary dyskinesia 3. Identifiers: Orphanet 244, MedGen C1837618, MONDO:0012085, OMIM 608644.

Submissions (2):

Labcorp Genetics (formerly Invitae), Labcorp
Classification: Pathogenic for Primary ciliary dyskinesia. Last evaluated: 2024-08-28. Review status: criteria provided, single submitter. Criteria: Invitae Variant Classification Sherloc (09022015). Collection method: clinical testing. Allele origin: germline.
Comment: This sequence change creates a premature translational stop signal (p.Glu3093Glyfs*20) in the DNAH5 gene. It is expected to result in an absent or disrupted protein product. Loss-of-function variants in DNAH5 are known to be pathogenic (PMID: 11788826, 16627867). This variant is not present in population databases (gnomAD no frequency). This variant has not been reported in the literature in individuals affected with DNAH5-related conditions. For these reasons, this variant has been classified as Pathogenic.

Fulgent Genetics
Classification: Likely pathogenic for Primary ciliary dyskinesia 3. Last evaluated: 2024-03-05. Review status: criteria provided, single submitter. Criteria: ACMG Guidelines, 2015. Collection method: clinical testing. Allele origin: germline.

Literature cited by the submitters: PubMed 11788826 (cited by Labcorp Genetics (formerly Invitae), Labcorp); PubMed 16627867 (cited by Labcorp Genetics (formerly Invitae), Labcorp).